The following is an entry in ClinVar:

ClinVar aggregate classification (germline): Uncertain significance. Review status: criteria provided, multiple submitters, no conflicts (2 of 4 stars). 2 submissions from 2 submitters: Uncertain significance (2). Last evaluated 2022-06-24.

Conditions:
Alstrom syndrome (ALMS). Identifiers: Orphanet 64, MedGen C0268425, MONDO:0008763, OMIM 203800.

Allele frequency attached by ClinVar (database versions not stated): gnomAD exomes below 0.00001.
gnomAD v4.1: 1 of 1,614,138 alleles (0.000062%); highest among the groups gnomAD compares: Non-Finnish European, 0.000085%; no homozygotes.

Submissions (2):

Labcorp Genetics (formerly Invitae), Labcorp
Classification: Uncertain significance for Alstrom syndrome. Last evaluated: 2022-06-24. Review status: criteria provided, single submitter. Criteria: Invitae Variant Classification Sherloc (09022015). Collection method: clinical testing. Allele origin: germline.
Comment: This variant has not been reported in the literature in individuals affected with ALMS1-related conditions. Experimental studies and prediction algorithms are not available or were not evaluated, and the functional significance of this variant is currently unknown. In summary, the available evidence is currently insufficient to determine the role of this variant in disease. Therefore, it has been classified as a Variant of Uncertain Significance. This variant is present in population databases (no rsID available, gnomAD 0.0009%). This sequence change replaces serine, which is neutral and polar, with threonine, which is neutral and polar, at codon 2753 of the ALMS1 protein (p.Ser2753Thr).

Blueprint Genetics
Classification: Uncertain significance. Last evaluated: 2022-03-28. Review status: criteria provided, single submitter. Criteria: ACMG Guidelines, 2015. Collection method: clinical testing. Allele origin: germline.

NM_001378454.1(ALMS1):c.8254T>A (p.Ser2752Thr)

Gene: ALMS1 (ALMS1 centrosome and basal body associated protein; plus strand). Cytogenetic location: 2p13.1.
Variant type: single nucleotide variant.
Coding change: c.8254T>A on transcript NM_001378454.1 (MANE Select); coding-DNA position 8254, T replaced by A.
Protein change: p.Ser2752Thr; replaces serine 2752 with threonine.
Molecular consequence: missense variant.
Genome position (GRCh38, 1-based): chr2:73,490,213, T>A. VCF-style: chr2-73490213-T-A. GRCh37 (hg19) VCF-style: chr2-73717340-T-A.
Other names: c.8257T>A, p.Ser2753Thr (NM_015120.4); short protein forms S2752T, S2753T.
Identifiers: ClinVar variation 2156705 (VCV002156705.4), dbSNP rs1210414092, ClinGen allele CA347268006.